The following is an entry in ClinVar:

NM_000257.4(MYH7):c.4397A>G (p.Glu1466Gly)

Genes: MHRT (myosin heavy chain associated RNA transcript; plus strand), MYH7 (myosin heavy chain 7; minus strand). Cytogenetic location: 14q11.2.
Variant type: single nucleotide variant.
Coding change: c.4397A>G on transcript NM_000257.4 (MANE Select); coding-DNA position 4397, A replaced by G.
Protein change: p.Glu1466Gly; replaces glutamic acid 1466 with glycine.
Molecular consequence: missense variant. On other transcripts: non-coding transcript variant (1).
Genome position (GRCh38, 1-based): chr14:23,417,275, T>C on the plus strand (A>G on the coding strand, the complement: MYH7 is on the minus strand). VCF-style: chr14-23417275-T-C. GRCh37 (hg19) VCF-style: chr14-23886484-T-C.
Other names: c.4397A>G, p.Glu1466Gly (NM_001407004.1); short protein forms E1466G.
Identifiers: ClinVar variation 3700212 (VCV003700212.2).

ClinVar aggregate classification (germline): Uncertain significance (1 of 4 stars; one submission).

Conditions:
Hypertrophic cardiomyopathy. Also called: HYPERTROPHIC MYOCARDIOPATHY. Identifiers: Orphanet 217569, MedGen C0007194, MeSH D002312, MONDO:0005045, HP:0001639.

gnomAD v4.1: 1 of 1,614,126 alleles (0.000062%); highest among the groups gnomAD compares: Non-Finnish European, 0.000085%; no homozygotes.

Submission:

Labcorp Genetics (formerly Invitae), Labcorp
Classification: Uncertain significance for Hypertrophic cardiomyopathy. Last evaluated: 2024-08-06. Review status: criteria provided, single submitter. Criteria: Invitae Variant Classification Sherloc (09022015). Collection method: clinical testing. Allele origin: germline.
Comment: This sequence change replaces glutamic acid, which is acidic and polar, with glycine, which is neutral and non-polar, at codon 1466 of the MYH7 protein (p.Glu1466Gly). This variant is not present in population databases (gnomAD no frequency). This variant has not been reported in the literature in individuals affected with MYH7-related conditions. Advanced modeling of protein sequence and biophysical properties (such as structural, functional, and spatial information, amino acid conservation, physicochemical variation, residue mobility, and thermodynamic stability) performed at Invitae indicates that this missense variant is expected to disrupt MYH7 protein function with a positive predictive value of 95%. In summary, the available evidence is currently insufficient to determine the role of this variant in disease. Therefore, it has been classified as a Variant of Uncertain Significance.